The following is an entry in ClinVar:

NM_004714.3(DYRK1B):c.414C>T (p.Ala138=)

Gene: DYRK1B (dual specificity tyrosine phosphorylation regulated kinase 1B; minus strand). Cytogenetic location: 19q13.2.
Variant type: single nucleotide variant.
Coding change: c.414C>T on transcript NM_004714.3 (MANE Select); coding-DNA position 414, C replaced by T.
Protein change: p.Ala138=; no amino-acid change (alanine 138 retained).
Molecular consequence: synonymous variant.
Genome position (GRCh38, 1-based): chr19:39,829,986, G>A on the plus strand (C>T on the coding strand, the complement: DYRK1B is on the minus strand). VCF-style: chr19-39829986-G-A. GRCh37 (hg19) VCF-style: chr19-40320626-G-A.
Other names: c.414C>T, p.Ala138= (NM_006483.3, NM_006484.3).
Identifiers: ClinVar variation 4823522 (VCV004823522.4).

ClinVar aggregate classification (germline): Likely benign (1 of 4 stars; one submission).

Submission:

CeGaT Center for Human Genetics Tuebingen
Classification: Likely benign. Last evaluated: 2026-03-01. Review status: criteria provided, single submitter. Criteria: CeGaT Center For Human Genetics Tuebingen Variant Classification Criteria Version 2. Collection method: clinical testing. Allele origin: germline. Affected: yes. Observed: 1 variant allele.
Comment: DYRK1B: PM2:Supporting, BP4, BP7